The following is an entry in ClinVar:

ClinVar aggregate classification (germline): Uncertain significance (1 of 4 stars; one submission).

Submission:

Labcorp Genetics (formerly Invitae), Labcorp
Classification: Uncertain significance. Last evaluated: 2024-06-29. Review status: criteria provided, single submitter. Criteria: Invitae Variant Classification Sherloc (09022015). Collection method: clinical testing. Allele origin: germline.
Comment: This sequence change replaces proline, which is neutral and non-polar, with serine, which is neutral and polar, at codon 2188 of the COL7A1 protein (p.Pro2188Ser). This variant is not present in population databases (gnomAD no frequency). This variant has not been reported in the literature in individuals affected with COL7A1-related conditions. Advanced modeling of protein sequence and biophysical properties (such as structural, functional, and spatial information, amino acid conservation, physicochemical variation, residue mobility, and thermodynamic stability) performed at Invitae indicates that this missense variant is not expected to disrupt COL7A1 protein function with a negative predictive value of 95%. In summary, the available evidence is currently insufficient to determine the role of this variant in disease. Therefore, it has been classified as a Variant of Uncertain Significance.

NM_000094.4(COL7A1):c.6562C>T (p.Pro2188Ser)

Gene: COL7A1 (collagen type VII alpha 1 chain; minus strand). Cytogenetic location: 3p21.31.
Variant type: single nucleotide variant.
Coding change: c.6562C>T on transcript NM_000094.4 (MANE Select); coding-DNA position 6562, C replaced by T.
Protein change: p.Pro2188Ser; replaces proline 2188 with serine.
Molecular consequence: missense variant.
Genome position (GRCh38, 1-based): chr3:48,573,701, G>A on the plus strand (C>T on the coding strand, the complement: COL7A1 is on the minus strand). VCF-style: chr3-48573701-G-A. GRCh37 (hg19) VCF-style: chr3-48611134-G-A.
Other names: short protein forms P2188S.
Identifiers: ClinVar variation 3635673 (VCV003635673.2).
Genomic context (GRCh38, chr3:48,573,701, plus strand): 5'-ATCCCAGCCCTTCCAGACCCTCACCAGGCAGTGTTCCCTGGTCACTCACCGGGGCACCAG[G>A]TGGTCCAGGGTCTCCATGACCACCCTGTTGTGGCGAAAAAGAGTCTGATGAGGGGGAGTT-3'
Protein context (NP_000085.1, residues 2178-2198): PVGGHGDPGP[Pro2188Ser]GAPGLAGPAG